The following is an entry in ClinVar:

ClinVar aggregate classification (germline): Conflicting classifications of pathogenicity. Review status: criteria provided, conflicting classifications (1 of 4 stars). 2 submissions from 2 submitters: Uncertain significance (1); Likely benign (1). Last evaluated 2025-05-30.

Conditions:
Gastrointestinal stromal tumor. Also called: Gastrointestinal stroma tumor; Gastrointestinal stromal tumor, somatic. Identifiers: Orphanet 44890, MedGen C0238198, MeSH D046152, MONDO:0011719, OMIM 606764, HP:0100723.
Hereditary cancer-predisposing syndrome. Also called: Hereditary Cancer Syndrome; Hereditary neoplastic syndrome; Neoplastic Syndromes, Hereditary; Tumor predisposition. Identifiers: Orphanet 140162, MedGen C0027672, MeSH D009386, MONDO:0015356.

Allele frequency attached by ClinVar (database versions not stated): ExAC 0.00001; gnomAD exomes 0.00001.
gnomAD v4.1: 4 of 1,613,606 alleles (0.00025%); highest among the groups gnomAD compares: South Asian, 0.0022%; no homozygotes.

Submissions (2):

Labcorp Genetics (formerly Invitae), Labcorp
Classification: Uncertain significance for Gastrointestinal stromal tumor. Last evaluated: 2025-05-30. Review status: criteria provided, single submitter. Criteria: Invitae Variant Classification Sherloc (09022015). Collection method: clinical testing. Allele origin: germline.
Comment: This sequence change affects codon 455 of the PDGFRA mRNA. It is a 'silent' change, meaning that it does not change the encoded amino acid sequence of the PDGFRA protein. It affects a nucleotide within the consensus splice site. This variant is present in population databases (rs772550148, gnomAD 0.006%). This variant has not been reported in the literature in individuals affected with PDGFRA-related conditions. ClinVar contains an entry for this variant (Variation ID: 2139629). Algorithms developed to predict the effect of sequence changes on RNA splicing suggest that this variant is not likely to affect RNA splicing. In summary, the available evidence is currently insufficient to determine the role of this variant in disease. Therefore, it has been classified as a Variant of Uncertain Significance.

Ambry Genetics
Classification: Likely benign for Hereditary cancer-predisposing syndrome. Last evaluated: 2024-03-30. Review status: criteria provided, single submitter. Criteria: Ambry Variant Classification Scheme 2023. Collection method: clinical testing. Allele origin: germline.

NM_006206.6(PDGFRA):c.1365A>G (p.Lys455=)

Gene: PDGFRA (platelet derived growth factor receptor alpha; plus strand). Cytogenetic location: 4q12.
Variant type: single nucleotide variant.
Coding change: c.1365A>G on transcript NM_006206.6 (MANE Select); coding-DNA position 1365, A replaced by G.
Protein change: p.Lys455=; no amino-acid change (lysine 455 retained).
Molecular consequence: synonymous variant.
Genome position (GRCh38, 1-based): chr4:54,273,537, A>G. VCF-style: chr4-54273537-A-G. GRCh37 (hg19) VCF-style: chr4-55139704-A-G.
Other names: c.1365A>G, p.Lys455= (NM_001347827.2, NM_001347829.2); c.1440A>G, p.Lys480= (NM_001347828.2); c.1404A>G, p.Lys468= (NM_001347830.2).
Identifiers: ClinVar variation 2139629 (VCV002139629.5), dbSNP rs772550148, ClinGen allele CA2922551.